The following is an entry in ClinVar:

NM_003743.5(NCOA1):c.2927A>G (p.Gln976Arg)

Gene: NCOA1 (nuclear receptor coactivator 1; plus strand). Cytogenetic location: 2p23.3.
Variant type: single nucleotide variant.
Coding change: c.2927A>G on transcript NM_003743.5 (MANE Select); coding-DNA position 2927, A replaced by G.
Protein change: p.Gln976Arg; replaces glutamine 976 with arginine.
Molecular consequence: missense variant.
Genome position (GRCh38, 1-based): chr2:24,729,541, A>G. VCF-style: chr2-24729541-A-G. GRCh37 (hg19) VCF-style: chr2-24952410-A-G.
Other names: c.2927A>G, p.Gln976Arg (NM_001362950.1, NM_001362952.1, NM_001362954.1 and 3 more transcripts); short protein forms Q976R.
Identifiers: ClinVar variation 4980914 (VCV004980914.1).
Genomic context (GRCh38, chr2:24,729,541, plus strand): 5'-TCTGGCTTCTTTTCTAACAGGGGGGTGGATTAGATGTATTATCAGAGAGATTTCCACCAC[A>G]ACAAGCAACGCCACCTTTGATCATGGAAGAAAGACCCAACCTTTATTCCCAGCCTTACTC-3'
Protein context (NP_003734.3, residues 966-986): LDVLSERFPP[Gln976Arg]QATPPLIMEE

ClinVar aggregate classification (germline): Uncertain significance (1 of 4 stars; one submission).

Conditions:
NCOA1-related disorder. Also called: NCOA1-related condition.

gnomAD v4.1: 13 of 1,614,020 alleles (0.00081%); highest among the groups gnomAD compares: Non-Finnish European, 0.0011%; no homozygotes.

Submission:

PreventionGenetics, part of Exact Sciences
Classification: Uncertain significance for NCOA1-related condition. Last evaluated: 2026-04-04. Review status: criteria provided, single submitter. Criteria: ACMG Guidelines, 2015. Collection method: clinical testing. Allele origin: germline.
Comment: The NCOA1 c.2927A>G variant is predicted to result in the amino acid substitution p.Gln976Arg. To our knowledge, this variant has not been reported in the literature. This variant is reported in 0.00088% of alleles in individuals of European (Non-Finnish) descent in gnomAD. At this time, the clinical significance of this variant is uncertain due to the absence of conclusive functional and genetic evidence.